The following is an entry in ClinVar:

ClinVar aggregate classification (germline): Conflicting classifications of pathogenicity. Review status: criteria provided, conflicting classifications (1 of 4 stars). 4 submissions from 4 submitters: Uncertain significance (2); Likely benign (2). Last evaluated 2022-10-10.

Conditions:
Hereditary breast ovarian cancer syndrome. Also called: Hereditary breast and ovarian cancer; Hereditary breast and/or ovarian cancer syndrome; BRCA1- and BRCA2-Associated Hereditary Breast and Ovarian Cancer; Hereditary breast and ovarian cancer syndrome; Hereditary breast and ovarian cancer syndrome (HBOC); Breast and ovarian cancer. Identifiers: Orphanet 145, MedGen C0677776, MeSH D061325, MONDO:0003582. Disease mechanism: loss of function.
Hereditary cancer-predisposing syndrome. Also called: Tumor predisposition; Hereditary Cancer Syndrome; Hereditary neoplastic syndrome; Neoplastic Syndromes, Hereditary. Identifiers: Orphanet 140162, MedGen C0027672, MeSH D009386, MONDO:0015356.

Allele frequency attached by ClinVar (database versions not stated): gnomAD exomes below 0.00001.
gnomAD v4.1: 1 of 1,613,640 alleles (0.000062%); highest among the groups gnomAD compares: Middle Eastern, 0.017%; no homozygotes.

Submissions (4):

Labcorp Genetics (formerly Invitae), Labcorp
Classification: Uncertain significance for Hereditary breast ovarian cancer syndrome. Last evaluated: 2022-10-10. Review status: criteria provided, single submitter. Criteria: Invitae Variant Classification Sherloc (09022015). Collection method: clinical testing. Allele origin: germline.
Comment: This sequence change replaces aspartic acid, which is acidic and polar, with tyrosine, which is neutral and polar, at codon 2665 of the BRCA2 protein (p.Asp2665Tyr). This variant is not present in population databases (gnomAD no frequency). This variant has not been reported in the literature in individuals affected with BRCA2-related conditions. ClinVar contains an entry for this variant (Variation ID: 409494). Advanced modeling of experimental studies (such as gene expression, population dynamics, functional pathways, and cell-cycle effects in cell culture) performed at Invitae indicates that this missense variant is not expected to disrupt BRCA2 protein function. In summary, the available evidence is currently insufficient to determine the role of this variant in disease. Therefore, it has been classified as a Variant of Uncertain Significance.

Women's Health and Genetics/Laboratory Corporation of America, LabCorp
Classification: Likely benign. Last evaluated: 2022-09-06. Review status: criteria provided, single submitter. Criteria: LabCorp Variant Classification Summary - May 2015. Collection method: clinical testing. Allele origin: germline.
Comment: Variant summary: BRCA2 c.7993G>T (p.Asp2665Tyr) results in a non-conservative amino acid change located in the Breast cancer type 2 susceptibility protein, helical domain (IPR015252) of the encoded protein sequence. Five of five in-silico tools predict a damaging effect of the variant on protein function. The available data on variant occurrences in the general population are insufficient to allow any conclusion about variant significance. To our knowledge, no occurrence of c.7993G>T in individuals affected with Hereditary Breast And Ovarian Cancer Syndrome has been reported. One publication reports HDR functional assays on c.7993G>T and the results showed no damaging effect of this variant (Richardson_2021). The HDR assay qualifies as a standardized gold-standard assay on the basis of the updated guidance provided by the ClinGen Sequence Variant Interpretation (SVI) Working Group (Brnich_2019). ClinGen SVI now recognizes benign functional evidence as sufficient for likely benign (Tavtigian_2018). Three clinical diagnostic laboratories have submitted clinical-significance assessments for this variant to ClinVar classifying as Likely Benign (n=1) and VUS (n=1). Based on the evidence outlined above, the variant was classified as likely benign.

Ambry Genetics
Classification: Likely benign for Hereditary cancer-predisposing syndrome. Last evaluated: 2020-02-25. Review status: criteria provided, single submitter. Criteria: Ambry Variant Classification Scheme 2023. Collection method: clinical testing. Allele origin: germline.

Color Diagnostics, LLC DBA Color Health
Classification: Uncertain significance for Hereditary cancer-predisposing syndrome. Last evaluated: 2019-04-14. Review status: criteria provided, single submitter. Criteria: ACMG Guidelines, 2015. Collection method: clinical testing. Allele origin: germline.

Literature cited by the submitters: PubMed 33609447 (cited by Women's Health and Genetics/Laboratory Corporation of America, LabCorp).

NM_000059.4(BRCA2):c.7993G>T (p.Asp2665Tyr)

Gene: BRCA2 (BRCA2 DNA repair associated; plus strand). Cytogenetic location: 13q13.1.
Variant type: single nucleotide variant.
Coding change: c.7993G>T on transcript NM_000059.4 (MANE Select); coding-DNA position 7993, G replaced by T.
Protein change: p.Asp2665Tyr; replaces aspartic acid 2665 with tyrosine.
Molecular consequence: missense variant.
Genome position (GRCh38, 1-based): chr13:32,363,195, G>T. VCF-style: chr13-32363195-G-T. GRCh37 (hg19) VCF-style: chr13-32937332-G-T.
Other names: short protein forms D2665Y.
Identifiers: ClinVar variation 409494 (VCV000409494.18), dbSNP rs921017191, ClinGen allele CA16614221.